The following is an entry in ClinVar:

NM_014915.3(ANKRD26):c.2787C>T (p.Asp929=)

Gene: ANKRD26 (ankyrin repeat domain 26; minus strand). Cytogenetic location: 10p12.1.
Variant type: single nucleotide variant.
Coding change: c.2787C>T on transcript NM_014915.3 (MANE Select); coding-DNA position 2787, C replaced by T.
Protein change: p.Asp929=; no amino-acid change (aspartic acid 929 retained).
Molecular consequence: synonymous variant.
Genome position (GRCh38, 1-based): chr10:27,035,663, G>A on the plus strand (C>T on the coding strand, the complement: ANKRD26 is on the minus strand). VCF-style: chr10-27035663-G-A. GRCh37 (hg19) VCF-style: chr10-27324592-G-A.
Other names: c.2784C>T, p.Asp928= (NM_001256053.2).
Identifiers: ClinVar variation 299738 (VCV000299738.6), dbSNP rs370940054, ClinGen allele CA5448146.

ClinVar aggregate classification (germline): Benign/Likely benign. Review status: criteria provided, multiple submitters, no conflicts (2 of 4 stars). 2 submissions from 2 submitters: Benign (1); Likely benign (1). Last evaluated 2025-01-05.

Conditions:
Inborn genetic diseases. Identifiers: MedGen C0950123, MeSH D030342.
Thrombocytopenia 2 (THC2). Also called: ANKRD26-Related Thrombocytopenia. Identifiers: Orphanet 268322, MedGen C1861185, MONDO:0008555, OMIM 188000.

Allele frequency attached by ClinVar (database versions not stated): gnomAD exomes below 0.00001 and 0.00001; gnomAD 0.00001; TOPMed 0.00001; ExAC 0.00002; ESP Exome Variant Server 0.00008.
gnomAD v4.1: 3 of 1,596,712 alleles (0.00019%); highest among the groups gnomAD compares: African/African-American, 0.0041%; no homozygotes.

Submissions (2):

Ambry Genetics
Classification: Likely benign for Inborn genetic diseases. Last evaluated: 2025-01-05. Review status: criteria provided, single submitter. Criteria: Ambry Variant Classification Scheme 2023. Collection method: clinical testing. Allele origin: germline.

Illumina Laboratory Services, Illumina
Classification: Benign for Thrombocytopenia 2. Last evaluated: 2018-01-12. Review status: criteria provided, single submitter. Criteria: ICSL Variant Classification Criteria 13 December 2019. Collection method: clinical testing. Allele origin: germline.
Comment: This variant was observed in the ICSL laboratory as part of a predisposition screen in an ostensibly healthy population. It had not been previously curated by ICSL or reported in the Human Gene Mutation Database (HGMD: prior to June 1st, 2018), and was therefore a candidate for classification through an automated scoring system. Utilizing variant allele frequency, disease prevalence and penetrance estimates, and inheritance mode, an automated score was calculated to assess if this variant is too frequent to cause the disease. Based on the score and internal cut-off values, a variant classified as benign is not then subjected to further curation. The score for this variant resulted in a classification of benign for this disease.